The following is an entry in ClinVar:

NM_001103.4(ACTN2):c.2301+66G>T

Gene: ACTN2 (actinin alpha 2; plus strand). Cytogenetic location: 1q43.
Variant type: single nucleotide variant.
Coding change: c.2301+66G>T on transcript NM_001103.4 (MANE Select); 66 bases into the intron after coding-DNA position 2301, G replaced by T.
Molecular consequence: intron variant.
Genome position (GRCh38, 1-based): chr1:236,757,698, G>T. VCF-style: chr1-236757698-G-T. GRCh37 (hg19) VCF-style: chr1-236920998-G-T.
Other names: c.1677+66G>T (NM_001278344.2); c.2301+66G>T (NM_001278343.2).
Identifiers: ClinVar variation 675628 (VCV000675628.1), dbSNP rs115838741, ClinGen allele CA39744029.

ClinVar aggregate classification (germline): Likely benign (1 of 4 stars; one submission).

Allele frequency attached by ClinVar (database versions not stated): TOPMed 0.00297; gnomAD 0.00299 and 0.00310; 1000 Genomes Project 0.00459; 1000 Genomes Project 30x 0.00562.
gnomAD v4.1: 944 of 1,591,196 alleles (0.059%); highest among the groups gnomAD compares: African/African-American, 1%; 10 homozygotes.

Submission:

GeneDx
Classification: Likely benign. Last evaluated: 2018-06-16. Review status: criteria provided, single submitter. Criteria: GeneDx Variant Classification (06012015). Collection method: clinical testing. Allele origin: germline. Affected: yes.
Comment: This variant is considered likely benign or benign based on one or more of the following criteria: it is a conservative change, it occurs at a poorly conserved position in the protein, it is predicted to be benign by multiple in silico algorithms, and/or has population frequency not consistent with disease.